The following is an entry in ClinVar:

ClinVar aggregate classification (germline): Likely benign. Review status: criteria provided, multiple submitters, no conflicts (2 of 4 stars). 2 submissions from 2 submitters: Likely benign (2). Last evaluated 2023-12-05.

Conditions:
Methylcobalamin deficiency type cblG (HMAG). Also called: HOMOCYSTINURIA-MEGALOBLASTIC ANEMIA, cblG COMPLEMENTATION TYPE; HOMOCYSTINURIA-MEGALOBLASTIC ANEMIA DUE TO DEFECT IN COBALAMIN METABOLISM, cblG COMPLEMENTATION TYPE; HOMOCYSTINURIA-MEGALOBLASTIC ANEMIA, cblG TYPE; Functional methionine synthase deficiency type cblG. Identifiers: Orphanet 2170, Orphanet 622, MedGen C1855128, MONDO:0009609, OMIM 250940.

Allele frequency attached by ClinVar (database versions not stated): gnomAD 0.00001 and 0.00003; gnomAD exomes 0.00001; ExAC 0.00002; TOPMed 0.00002.
gnomAD v4.1: 15 of 1,613,896 alleles (0.00093%); highest among the groups gnomAD compares: Admixed American, 0.0083%; no homozygotes.

Submissions (2):

Labcorp Genetics (formerly Invitae), Labcorp
Classification: Likely benign for Methylcobalamin deficiency type cblG. Last evaluated: 2023-12-05. Review status: criteria provided, single submitter. Criteria: Invitae Variant Classification Sherloc (09022015). Collection method: clinical testing. Allele origin: germline.

GeneDx
Classification: Likely benign. Last evaluated: 2018-04-24. Review status: criteria provided, single submitter. Criteria: GeneDx Variant Classification (06012015). Collection method: clinical testing. Allele origin: germline. Affected: yes.
Comment: This variant is considered likely benign or benign based on one or more of the following criteria: it is a conservative change, it occurs at a poorly conserved position in the protein, it is predicted to be benign by multiple in silico algorithms, and/or has population frequency not consistent with disease.

NM_000254.3(MTR):c.1743C>T (p.Ser581=)

Gene: MTR (5-methyltetrahydrofolate-homocysteine methyltransferase; plus strand). Cytogenetic location: 1q43.
Variant type: single nucleotide variant.
Coding change: c.1743C>T on transcript NM_000254.3 (MANE Select); coding-DNA position 1743, C replaced by T.
Protein change: p.Ser581=; no amino-acid change (serine 581 retained).
Molecular consequence: synonymous variant.
Genome position (GRCh38, 1-based): chr1:236,852,568, C>T. VCF-style: chr1-236852568-C-T. GRCh37 (hg19) VCF-style: chr1-237015868-C-T.
Other names: c.1743C>T, p.Ser581= (NM_001291939.1); c.522C>T, p.Ser174= (NM_001291940.2).
Identifiers: ClinVar variation 681424 (VCV000681424.9), dbSNP rs758784869, ClinGen allele CA1474161.